The following is an entry in ClinVar:

ClinVar aggregate classification (germline): Uncertain significance. Review status: criteria provided, multiple submitters, no conflicts (2 of 4 stars). 2 submissions from 2 submitters: Uncertain significance (2). Last evaluated 2022-02-20.

Conditions:
Inborn genetic diseases. Identifiers: MedGen C0950123, MeSH D030342.

Allele frequency attached by ClinVar (database versions not stated): gnomAD exomes below 0.00001; TOPMed below 0.00001.
gnomAD v4.1: 1 of 1,613,096 alleles (0.000062%); highest among the groups gnomAD compares: Non-Finnish European, 0.000085%; no homozygotes.

Submissions (2):

Labcorp Genetics (formerly Invitae), Labcorp
Classification: Uncertain significance. Last evaluated: 2022-02-20. Review status: criteria provided, single submitter. Criteria: Invitae Variant Classification Sherloc (09022015). Collection method: clinical testing. Allele origin: germline.
Comment: This sequence change replaces phenylalanine, which is neutral and non-polar, with leucine, which is neutral and non-polar, at codon 1392 of the ATR protein (p.Phe1392Leu). This variant is not present in population databases (gnomAD no frequency). This variant has not been reported in the literature in individuals affected with ATR-related conditions. Algorithms developed to predict the effect of missense changes on protein structure and function are either unavailable or do not agree on the potential impact of this missense change (SIFT: "Tolerated"; PolyPhen-2: "Probably Damaging"; Align-GVGD: "Class C0"). In summary, the available evidence is currently insufficient to determine the role of this variant in disease. Therefore, it has been classified as a Variant of Uncertain Significance.

Ambry Genetics
Classification: Uncertain significance for Inborn genetic diseases. Last evaluated: 2021-07-26. Review status: criteria provided, single submitter. Criteria: Ambry Variant Classification Scheme 2023. Collection method: clinical testing. Allele origin: germline.
Comment: The p.F1392L variant (also known as c.4174T>C), located in coding exon 23 of the ATR gene, results from a T to C substitution at nucleotide position 4174. The phenylalanine at codon 1392 is replaced by leucine, an amino acid with highly similar properties. This amino acid position is conserved. In addition, the in silico prediction for this alteration is inconclusive. Since supporting evidence is limited at this time, the clinical significance of this alteration remains unclear.

NM_001184.4(ATR):c.4174T>C (p.Phe1392Leu)

Gene: ATR (ATR checkpoint kinase; minus strand). Cytogenetic location: 3q23.
Variant type: single nucleotide variant.
Coding change: c.4174T>C on transcript NM_001184.4 (MANE Select); coding-DNA position 4174, T replaced by C.
Protein change: p.Phe1392Leu; replaces phenylalanine 1392 with leucine.
Molecular consequence: missense variant.
Genome position (GRCh38, 1-based): chr3:142,522,820, A>G on the plus strand (T>C on the coding strand, the complement: ATR is on the minus strand). VCF-style: chr3-142522820-A-G. GRCh37 (hg19) VCF-style: chr3-142241662-A-G.
Other names: c.3982T>C, p.Phe1328Leu (NM_001354579.2); short protein forms F1328L, F1392L.
Identifiers: ClinVar variation 1738443 (VCV001738443.7), dbSNP rs997626299, ClinGen allele CA84725563.